The following is an entry in ClinVar:

ClinVar aggregate classification (germline): Uncertain significance (1 of 4 stars; one submission).

Allele frequency attached by ClinVar (database versions not stated): TOPMed below 0.00001; gnomAD 0.00001; gnomAD exomes 0.00001; ExAC 0.00002.
gnomAD v4.1: 2 of 1,451,782 alleles (0.00014%); highest among the groups gnomAD compares: East Asian, 0.005%; no homozygotes.

Submission:

Labcorp Genetics (formerly Invitae), Labcorp
Classification: Uncertain significance. Last evaluated: 2021-09-21. Review status: criteria provided, single submitter. Criteria: Invitae Variant Classification Sherloc (09022015). Collection method: clinical testing. Allele origin: germline.
Comment: This variant has not been reported in the literature in individuals affected with CCDC88A-related conditions. In summary, the available evidence is currently insufficient to determine the role of this variant in disease. Therefore, it has been classified as a Variant of Uncertain Significance. Algorithms developed to predict the effect of missense changes on protein structure and function are either unavailable or do not agree on the potential impact of this missense change (SIFT: "Tolerated"; PolyPhen-2: "Probably Damaging"; Align-GVGD: "Class C0"). This variant is present in population databases (rs147955315, ExAC 0.02%). This sequence change replaces asparagine with lysine at codon 866 of the CCDC88A protein (p.Asn866Lys). The asparagine residue is moderately conserved and there is a moderate physicochemical difference between asparagine and lysine.

NM_001365480.1(CCDC88A):c.2598C>G (p.Asn866Lys)

Gene: CCDC88A (coiled-coil and HOOK domain protein 88A; minus strand). Cytogenetic location: 2p16.1.
Variant type: single nucleotide variant.
Coding change: c.2598C>G on transcript NM_001365480.1 (MANE Select); coding-DNA position 2598, C replaced by G.
Protein change: p.Asn866Lys; replaces asparagine 866 with lysine.
Molecular consequence: missense variant.
Genome position (GRCh38, 1-based): chr2:55,334,223, G>C on the plus strand (C>G on the coding strand, the complement: CCDC88A is on the minus strand). VCF-style: chr2-55334223-G-C. GRCh37 (hg19) VCF-style: chr2-55561359-G-C.
Other names: c.2598C>G, p.Asn866Lys (NM_001135597.2, NM_001254943.2, NM_018084.5); short protein forms N866K.
Identifiers: ClinVar variation 1461203 (VCV001461203.6), dbSNP rs147955315, ClinGen allele CA1665963.